The following is an entry in ClinVar:

NM_001692.4(ATP6V1B1):c.154G>A (p.Val52Met)

Genes: ATP6V1B1 (ATPase H+ transporting V1 subunit B1; plus strand), ATP6V1B1-AS1 (ATP6V1B1 antisense RNA 1; minus strand). Cytogenetic location: 2p13.3.
Variant type: single nucleotide variant.
Coding change: c.154G>A on transcript NM_001692.4 (MANE Select); coding-DNA position 154, G replaced by A.
Protein change: p.Val52Met; replaces valine 52 with methionine.
Molecular consequence: missense variant.
Genome position (GRCh38, 1-based): chr2:70,943,693, G>A. VCF-style: chr2-70943693-G-A. GRCh37 (hg19) VCF-style: chr2-71170823-G-A.
Other names: c.154G>A (NM_001692.3); short protein forms V52M.
Identifiers: ClinVar variation 3586854 (VCV003586854.2).

ClinVar aggregate classification (germline): Uncertain significance. Review status: criteria provided, multiple submitters, no conflicts (2 of 4 stars). 2 submissions from 2 submitters: Uncertain significance (2). Last evaluated 2026-01-14.

Conditions:
Inborn genetic diseases. Identifiers: MedGen C0950123, MeSH D030342.
Renal tubular acidosis with progressive nerve deafness. Also called: Distal Renal Tubular Acidosis with Progressive Sensorineural Deafness; RENAL TUBULAR ACIDOSIS, AUTOSOMAL RECESSIVE, WITH PROGRESSIVE NERVE DEAFNESS; RTA WITH PROGRESSIVE NERVE DEAFNESS; renal tubular acidosis, distal, 2, with progressive sensorineural hearing loss. Identifiers: MedGen C0403554, MONDO:0009968, OMIM 267300.

Submissions (2):

Ambry Genetics
Classification: Uncertain significance for Inborn genetic diseases. Last evaluated: 2026-01-14. Review status: criteria provided, single submitter. Criteria: Ambry Variant Classification Scheme 2023. Collection method: clinical testing. Allele origin: germline.
Comment: The c.154G>A (p.V52M) alteration is located in exon 2 (coding exon 2) of the ATP6V1B1 gene. This alteration results from a G to A substitution at nucleotide position 154, causing the valine (V) at amino acid position 52 to be replaced by a methionine (M). Based on data from gnomAD, the A allele has an overall frequency of 0.002% (4/250820) total alleles studied. The highest observed frequency was 0.012% (4/34562) of Latino alleles. Based on insufficient or conflicting evidence, the clinical significance of this alteration remains unclear.

Fulgent Genetics
Classification: Uncertain significance for Renal tubular acidosis with progressive nerve deafness. Last evaluated: 2024-05-07. Review status: criteria provided, single submitter. Criteria: ACMG Guidelines, 2015. Collection method: clinical testing. Allele origin: germline.